The following is an entry in ClinVar:

NM_144596.4(TTC8):c.1539T>C (p.Ala513=)

Gene: TTC8 (tetratricopeptide repeat domain 8; plus strand). Cytogenetic location: 14q31.3.
Variant type: single nucleotide variant.
Coding change: c.1539T>C on transcript NM_144596.4 (MANE Select); coding-DNA position 1539, T replaced by C.
Protein change: p.Ala513=; no amino-acid change (alanine 513 retained).
Molecular consequence: synonymous variant. On other transcripts: non-coding transcript variant (1).
Genome position (GRCh38, 1-based): chr14:88,877,401, T>C. VCF-style: chr14-88877401-T-C. GRCh37 (hg19) VCF-style: chr14-89343745-T-C.
Other names: c.1587T>C, p.Ala529= (NM_001288781.1); c.945T>C, p.Ala315= (NM_001288782.1); c.822T>C, p.Ala274= (NM_001288783.1); c.1425T>C, p.Ala475= (NM_001366535.2); c.1335T>C, p.Ala445= (NM_001366536.2); c.1509T>C, p.Ala503= (NM_198309.3); c.1419T>C, p.Ala473= (NM_198310.3).
Identifiers: ClinVar variation 3356198 (VCV003356198.1).

ClinVar aggregate classification (germline): Likely benign (0 of 4 stars; one submission).

Conditions:
TTC8-related disorder. Also called: TTC8-related condition.

gnomAD v4.1: 3 of 1,612,770 alleles (0.00019%); highest among the groups gnomAD compares: Non-Finnish European, 0.00025%; no homozygotes.

Submission:

PreventionGenetics, part of Exact Sciences
Classification: Likely benign for TTC8-related condition. Last evaluated: 2024-05-07. Review status: no assertion criteria provided. Collection method: clinical testing. Allele origin: germline.
Comment: This variant is classified as likely benign based on ACMG/AMP sequence variant interpretation guidelines (Richards et al. 2015 PMID: 25741868, with internal and published modifications).